The following is an entry in ClinVar:

NM_001378615.1(CC2D2A):c.4048C>T (p.Leu1350Phe)

Genes: CC2D2A (coiled-coil and C2 domain containing 2A; plus strand), FBXL5 (F-box and leucine rich repeat protein 5; minus strand). Cytogenetic location: 4p15.32.
Variant type: single nucleotide variant.
Coding change: c.4048C>T on transcript NM_001378615.1 (MANE Select); coding-DNA position 4048, C replaced by T.
Protein change: p.Leu1350Phe; replaces leucine 1350 with phenylalanine.
Molecular consequence: missense variant.
Genome position (GRCh38, 1-based): chr4:15,586,229, C>T. VCF-style: chr4-15586229-C-T. GRCh37 (hg19) VCF-style: chr4-15587852-C-T.
Other names: c.4048C>T, p.Leu1350Phe (NM_001080522.2); c.3901C>T, p.Leu1301Phe (NM_001378617.1); short protein forms L1350F, L1301F.
Identifiers: ClinVar variation 1040130 (VCV001040130.7), dbSNP rs780313255, ClinGen allele CA2864288.

ClinVar aggregate classification (germline): Uncertain significance. Review status: criteria provided, multiple submitters, no conflicts (2 of 4 stars). 2 submissions from 2 submitters: Uncertain significance (2). Last evaluated 2024-06-27.

Conditions:
Joubert syndrome. Also called: JOUBERT-BOLTSHAUSER SYNDROME; Familial aplasia of the vermis. Identifiers: Orphanet 475, MedGen C5979921, MONDO:0018772.
Meckel-Gruber syndrome. Also called: Dysencephalia splachnocystica; DYSENCEPHALIA SPLANCHNOCYSTICA; GRUBER SYNDROME. Identifiers: Orphanet 564, MedGen C0265215, MONDO:0018921.

Allele frequency attached by ClinVar (database versions not stated): gnomAD exomes below 0.00001 and 0.00001; TOPMed below 0.00001; ExAC 0.00002.
gnomAD v4.1: 4 of 1,604,822 alleles (0.00025%); highest among the groups gnomAD compares: Non-Finnish European, 0.00034%; no homozygotes.

Submissions (2):

Blueprint Genetics
Classification: Uncertain significance. Last evaluated: 2024-06-27. Review status: criteria provided, single submitter. Criteria: ACMG Guidelines, 2015. Collection method: clinical testing. Allele origin: germline.

Labcorp Genetics (formerly Invitae), Labcorp
Classification: Uncertain significance for Joubert syndrome; Meckel-Gruber syndrome. Last evaluated: 2021-08-31. Review status: criteria provided, single submitter. Criteria: Invitae Variant Classification Sherloc (09022015). Collection method: clinical testing. Allele origin: germline.
Comment: This sequence change replaces leucine with phenylalanine at codon 1350 of the CC2D2A protein (p.Leu1350Phe). The leucine residue is moderately conserved and there is a small physicochemical difference between leucine and phenylalanine. This variant is present in population databases (rs780313255, ExAC 0.003%). This variant has not been reported in the literature in individuals affected with CC2D2A-related conditions. Algorithms developed to predict the effect of missense changes on protein structure and function are either unavailable or do not agree on the potential impact of this missense change (SIFT: "Deleterious"; PolyPhen-2: "Possibly Damaging"; Align-GVGD: "Class C0"). In summary, the available evidence is currently insufficient to determine the role of this variant in disease. Therefore, it has been classified as a Variant of Uncertain Significance.